The following is an entry in ClinVar:

NM_178857.6(RP1L1):c.3431C>T (p.Ser1144Phe)

Gene: RP1L1 (RP1 like 1). Cytogenetic location: 8p23.1.
Variant type: single nucleotide variant.
Coding change: c.3431C>T on transcript NM_178857.6 (MANE Select); coding-DNA position 3431, C replaced by T.
Protein change: p.Ser1144Phe; replaces serine 1144 with phenylalanine.
Molecular consequence: missense variant.
Genome position (GRCh38, 1-based): chr8:10,610,667, G>A on the plus strand (C>T on the coding strand, the complement: RP1L1 is on the minus strand). VCF-style: chr8-10610667-G-A. GRCh37 (hg19) VCF-style: chr8-10468177-G-A.
Other names: c.3431C>T (NM_178857.5); short protein forms S1144F.
Identifiers: ClinVar variation 4899192 (VCV004899192.2).

ClinVar aggregate classification (germline): Likely benign. Review status: criteria provided, multiple submitters, no conflicts (2 of 4 stars). 2 submissions from 2 submitters: Likely benign (2). Last evaluated 2024-12-13.

Conditions:
RP1L1-related disorder. Also called: RP1L1-related condition.

gnomAD v4.1: 46 of 1,612,212 alleles (0.0029%); highest among the groups gnomAD compares: East Asian, 0.098%; no homozygotes.

Submissions (2):

PreventionGenetics, part of Exact Sciences
Classification: Likely benign for RP1L1-related condition. Last evaluated: 2024-12-13. Review status: criteria provided, single submitter. Criteria: ACMG Guidelines, 2015. Collection method: clinical testing. Allele origin: germline.
Comment: This variant is classified as likely benign based on ACMG/AMP sequence variant interpretation guidelines (Richards et al. 2015 PMID: 25741868, with internal and published modifications).

Blueprint Genetics
Classification: Likely benign. Last evaluated: 2024-05-21. Review status: criteria provided, single submitter. Criteria: ACMG Guidelines, 2015. Collection method: clinical testing. Allele origin: germline.